The following is an entry in ClinVar:

NM_000051.4(ATM):c.3794T>C (p.Phe1265Ser)

Gene: ATM (ATM serine/threonine kinase; plus strand). Cytogenetic location: 11q22.3.
Variant type: single nucleotide variant.
Coding change: c.3794T>C on transcript NM_000051.4 (MANE Select); coding-DNA position 3794, T replaced by C.
Protein change: p.Phe1265Ser; replaces phenylalanine 1265 with serine.
Molecular consequence: missense variant.
Genome position (GRCh38, 1-based): chr11:108,284,274, T>C. VCF-style: chr11-108284274-T-C. GRCh37 (hg19) VCF-style: chr11-108155001-T-C.
Other names: c.3794T>C, p.Phe1265Ser (NM_001351834.2); short protein forms F1265S.
Identifiers: ClinVar variation 572651 (VCV000572651.16), dbSNP rs1565447114, ClinGen allele CA382524647.

ClinVar aggregate classification (germline): Uncertain significance. Review status: criteria provided, multiple submitters, no conflicts (2 of 4 stars). 3 submissions from 3 submitters: Uncertain significance (3). Last evaluated 2025-04-18.

Conditions:
Hereditary cancer-predisposing syndrome. Also called: Hereditary neoplastic syndrome; Neoplastic Syndromes, Hereditary; Hereditary Cancer Syndrome; Tumor predisposition. Identifiers: Orphanet 140162, MedGen C0027672, MeSH D009386, MONDO:0015356.
Ataxia-telangiectasia syndrome (AT). Also called: AT, COMPLEMENTATION GROUP C; Cerebello-oculocutaneous telangiectasia; Immunodeficiency with ataxia telangiectasia; Ataxia-telangiectasia, complementation group D; ATAXIA-TELANGIECTASIA, FRESNO VARIANT; Ataxia-telangiectasia, complementation group E. Identifiers: Orphanet 100, MedGen C0004135, MONDO:0008840, OMIM 208900.

Submissions (3):

Ambry Genetics
Classification: Uncertain significance for Hereditary cancer-predisposing syndrome. Last evaluated: 2025-04-18. Review status: criteria provided, single submitter. Criteria: Ambry Variant Classification Scheme 2023. Collection method: clinical testing. Allele origin: germline.
Comment: The p.F1265S variant (also known as c.3794T>C), located in coding exon 25 of the ATM gene, results from a T to C substitution at nucleotide position 3794. The phenylalanine at codon 1265 is replaced by serine, an amino acid with highly dissimilar properties. This amino acid position is conserved. In addition, this alteration is predicted to be deleterious by in silico analysis. Based on the available evidence, the clinical significance of this variant remains unclear.

Labcorp Genetics (formerly Invitae), Labcorp
Classification: Uncertain significance for Ataxia-telangiectasia syndrome. Last evaluated: 2024-07-30. Review status: criteria provided, single submitter. Criteria: Invitae Variant Classification Sherloc (09022015). Collection method: clinical testing. Allele origin: germline.
Comment: This sequence change replaces phenylalanine, which is neutral and non-polar, with serine, which is neutral and polar, at codon 1265 of the ATM protein (p.Phe1265Ser). This variant is not present in population databases (gnomAD no frequency). This variant has not been reported in the literature in individuals affected with ATM-related conditions. ClinVar contains an entry for this variant (Variation ID: 572651). An algorithm developed to predict the effect of missense changes on protein structure and function (PolyPhen-2) suggests that this variant is likely to be disruptive. In summary, the available evidence is currently insufficient to determine the role of this variant in disease. Therefore, it has been classified as a Variant of Uncertain Significance.

Color Diagnostics, LLC DBA Color Health
Classification: Uncertain significance for Hereditary cancer-predisposing syndrome. Last evaluated: 2023-12-05. Review status: criteria provided, single submitter. Criteria: ACMG Guidelines, 2015. Collection method: clinical testing. Allele origin: germline.
Comment: This missense variant replaces phenylalanine with serine at codon 1265 of the ATM protein. Computational prediction tools and conservation analyses suggest that this variant may have deleterious impact on protein structure and function. Splice site prediction tools suggest that this variant may not impact RNA splicing. To our knowledge, functional studies have not been performed for this variant. This variant has not been reported in individuals affected with hereditary cancer in the literature. This variant has not been identified in the general population by the Genome Aggregation Database (gnomAD). The available evidence is insufficient to determine the role of this variant in disease conclusively. Therefore, this variant is classified as a Variant of Uncertain Significance.